The following is an entry in ClinVar:

ClinVar aggregate classification (germline): Uncertain significance. Review status: criteria provided, multiple submitters, no conflicts (2 of 4 stars). 7 submissions from 7 submitters: Uncertain significance (7). Last evaluated 2026-01-21.

Conditions:
DSP-related disorder. Also called: DSP-related condition; DSP-related disorders.
Cardiovascular phenotype. Identifiers: MedGen CN230736.
Arrhythmogenic right ventricular dysplasia 8 (ARVD8). Also called: Arrhythmogenic Right Ventricular Dysplasia/Cardiomyopathy 8; ARRHYTHMOGENIC RIGHT VENTRICULAR DYSPLASIA, FAMILIAL, 8; ARRHYTHMOGENIC RIGHT VENTRICULAR CARDIOMYOPATHY 8. Identifiers: MedGen C1843896, MONDO:0011831, OMIM 607450.
Arrhythmogenic cardiomyopathy with wooly hair and keratoderma. Also called: Carvajal syndrome; Dilated cardiomyopathy with woolly hair and keratoderma; PALMOPLANTAR KERATODERMA WITH LEFT VENTRICULAR CARDIOMYOPATHY AND WOOLLY HAIR; Arrhythmogenic cardiomyopathy with woolly hair and keratoderma. Identifiers: Orphanet 65282, MedGen C1854063, MONDO:0011581, OMIM 605676.
Cardiomyopathy (CMYO). Also called: Cardiomyopathies. Identifiers: Orphanet 167848, MedGen C0878544, MONDO:0004994, HP:0001638. Inheritance: Various modes of inheritance.

Submissions (7):

PreventionGenetics, part of Exact Sciences
Classification: Uncertain significance for DSP-related condition. Last evaluated: 2026-01-21. Review status: criteria provided, single submitter. Criteria: ACMG Guidelines, 2015. Collection method: clinical testing. Allele origin: germline.
Comment: The DSP c.4527_4559del33 variant is predicted to result in an in-frame deletion (p.Arg1509_Ser1519del). To our knowledge, this variant has not been reported in the literature or in a large population database (gnomAD), indicating this variant is rare. At this time, the clinical significance of this variant is uncertain due to the absence of conclusive functional and genetic evidence.

Labcorp Genetics (formerly Invitae), Labcorp
Classification: Uncertain significance for Arrhythmogenic cardiomyopathy with wooly hair and keratoderma; Arrhythmogenic right ventricular dysplasia 8. Last evaluated: 2024-10-07. Review status: criteria provided, single submitter. Criteria: Invitae Variant Classification Sherloc (09022015). Collection method: clinical testing. Allele origin: germline.
Comment: This variant, c.4527_4559del, results in the deletion of 11 amino acid(s) of the DSP protein (p.Arg1509_Ser1519del), but otherwise preserves the integrity of the reading frame. This variant is not present in population databases (gnomAD no frequency). This variant has not been reported in the literature in individuals affected with DSP-related conditions. ClinVar contains an entry for this variant (Variation ID: 44913). In summary, the available evidence is currently insufficient to determine the role of this variant in disease. Therefore, it has been classified as a Variant of Uncertain Significance.

All of Us Research Program, National Institutes of Health
Classification: Uncertain significance for Arrhythmogenic cardiomyopathy with wooly hair and keratoderma. Last evaluated: 2024-02-05. Review status: criteria provided, single submitter. Criteria: ACMG Guidelines, 2015. Collection method: clinical testing. Allele origin: germline. Inheritance: Autosomal dominant inheritance. Observed: 8 variant alleles, 8 heterozygotes.
Comment: This variant causes an in-frame deletion of eleven amino acids in the central rod domain of the DSP protein that is thought to form a dimeric coiled coil. To our knowledge, functional studies have not been reported for this variant. This variant has not been reported in individuals affected with cardiovascular disorders in the literature. This variant has not been identified in the general population by the Genome Aggregation Database (gnomAD). The available evidence is insufficient to determine the role of this variant in disease conclusively. Therefore, this variant is classified as a Variant of Uncertain Significance.

This study involves interpretation of variants in research participants for the purpose of population health screening. Participant phenotype was not available at the time of variant classification. Additional details can be found in publication PMID: 35346344, PMCID: PMC8962531

Color Diagnostics, LLC DBA Color Health
Classification: Uncertain significance for Cardiomyopathy. Last evaluated: 2023-10-04. Review status: criteria provided, single submitter. Criteria: ACMG Guidelines, 2015. Collection method: clinical testing. Allele origin: germline.
Comment: This variant causes an in-frame deletion of eleven amino acids in the central rod domain of the DSP protein that is thought to form a dimeric coiled coil. To our knowledge, functional studies have not been reported for this variant. This variant has not been reported in individuals affected with cardiovascular disorders in the literature. This variant has not been identified in the general population by the Genome Aggregation Database (gnomAD). The available evidence is insufficient to determine the role of this variant in disease conclusively. Therefore, this variant is classified as a Variant of Uncertain Significance.

CHEO Genetics Diagnostic Laboratory, Children's Hospital of Eastern Ontario
Classification: Uncertain significance for Cardiomyopathy. Last evaluated: 2022-05-30. Review status: criteria provided, single submitter. Criteria: ACMG Guidelines, 2015. Collection method: clinical testing. Allele origin: germline.

Ambry Genetics
Classification: Uncertain significance for Cardiovascular phenotype. Last evaluated: 2021-07-27. Review status: criteria provided, single submitter. Criteria: Ambry Variant Classification Scheme 2023. Collection method: clinical testing. Allele origin: germline.
Comment: The c.4527_4559del33 (p.R1509_S1519del) alteration is located in exon 23 (coding exon 23) of the DSP gene. This alteration consists of an in-frame deletion of 33 nucleotides between nucleotide positions c.4527 and c.4559, resulting in the deletion of 11 residues. Based on insufficient or conflicting evidence, the clinical significance of this alteration remains unclear.

Laboratory for Molecular Medicine, Mass General Brigham Personalized Medicine
Classification: Uncertain significance. Last evaluated: 2011-08-22. Review status: criteria provided, single submitter. Criteria: LMM Criteria. Collection method: clinical testing. Allele origin: germline. Observed: 1 variant allele.
Comment: Variant classified as Uncertain Significance - Favor Pathogenic. T his variant causes an in-frame deletion of 10 amino acids. While this is expect ed to severely impact the protein additional data such as control studies, segre gation data, or functional analysis is needed whether this variant is disease ca using.

NM_004415.4(DSP):c.4527_4559del (p.Arg1509_Ser1519del)

Gene: DSP (desmoplakin; plus strand). Cytogenetic location: 6p24.3.
Variant type: Deletion.
Coding change: c.4527_4559del on transcript NM_004415.4 (MANE Select); coding-DNA positions 4527 to 4559, 33 bases deleted.
Protein change: p.Arg1509_Ser1519del.
Genome position (GRCh38, 1-based): chr6:7,580,717-7,580,749, 33 bases deleted; deleting any 33 consecutive bases within chr6:7,580,715-7,580,749 gives the same sequence; the c. name uses the placement nearest the transcript's 3' end. GRCh37 (hg19): chr6:7,580,950-7,580,982.
Other names: c.4050+477_4050+509del (NM_001319034.2); c.3582+945_3582+977del (NM_001008844.3); c.4527_4559del33 (NM_004415.3).
Identifiers: ClinVar variation 44913 (VCV000044913.24), dbSNP rs397516939, ClinGen allele CA006133.